The following is an entry in ClinVar:

NM_001369.3(DNAH5):c.877dup (p.Arg293fs)

Gene: DNAH5 (dynein axonemal heavy chain 5; minus strand). Cytogenetic location: 5p15.2.
Variant type: Duplication.
Coding change: c.877dup on transcript NM_001369.3 (MANE Select); coding-DNA position 877, one base duplicated (A; older notation c.877dupA).
Protein change: p.Arg293fs; shifts the reading frame from arginine 293.
Molecular consequence: frameshift variant.
Genome position (GRCh38, 1-based): chr5:13,919,274, T duplicated on the plus strand (A on the coding strand, the reverse complement: DNAH5 is on the minus strand); the first of 7 consecutive T bases (chr5:13,919,274-13,919,280); duplicating any one gives the same sequence. VCF-style (leftmost placement, unchanged base first): chr5-13919273-C-CT. GRCh37 (hg19) VCF-style: chr5-13919382-C-CT.
Other names: c.877dup (NM_001369.2); short protein forms R293fs.
Identifiers: ClinVar variation 1459482 (VCV001459482.11), dbSNP rs781566109, ClinGen allele CA3205049.

ClinVar aggregate classification (germline): Pathogenic/Likely pathogenic. Review status: criteria provided, multiple submitters, no conflicts (2 of 4 stars). 3 submissions from 3 submitters: Pathogenic (1); Likely pathogenic (2). Last evaluated 2025-11-25.

Conditions:
Primary ciliary dyskinesia. Also called: Ciliary dyskinesia. Identifiers: Orphanet 244, MedGen C0008780, MONDO:0016575, HP:0012265.
Primary ciliary dyskinesia 3. Identifiers: Orphanet 244, MedGen C1837618, MONDO:0012085, OMIM 608644.

Submissions (3):

Labcorp Genetics (formerly Invitae), Labcorp
Classification: Pathogenic for Primary ciliary dyskinesia. Last evaluated: 2025-11-25. Review status: criteria provided, single submitter. Criteria: Invitae Variant Classification Sherloc (09022015). Collection method: clinical testing. Allele origin: germline.
Comment: This sequence change creates a premature translational stop signal (p.Arg293Lysfs*6) in the DNAH5 gene. It is expected to result in an absent or disrupted protein product. Loss-of-function variants in DNAH5 are known to be pathogenic (PMID: 11788826, 16627867). This variant is present in population databases (rs781566109, gnomAD 0.006%). This variant has not been reported in the literature in individuals affected with DNAH5-related conditions. ClinVar contains an entry for this variant (Variation ID: 1459482). For these reasons, this variant has been classified as Pathogenic.

Fulgent Genetics
Classification: Likely pathogenic for Primary ciliary dyskinesia 3. Last evaluated: 2024-02-13. Review status: criteria provided, single submitter. Criteria: ACMG Guidelines, 2015. Collection method: clinical testing. Allele origin: germline.

Revvity Omics, Revvity
Classification: Likely pathogenic for Primary ciliary dyskinesia 3. Last evaluated: 2022-06-14. Review status: criteria provided, single submitter. Criteria: ACMG Guidelines, 2015. Collection method: clinical testing. Allele origin: germline.

Literature cited by the submitters: PubMed 11788826 (cited by Labcorp Genetics (formerly Invitae), Labcorp); PubMed 16627867 (cited by Labcorp Genetics (formerly Invitae), Labcorp).